The following is an entry in ClinVar:

ClinVar aggregate classification (germline): Uncertain significance (1 of 4 stars; one submission).

Allele frequency attached by ClinVar (database versions not stated): gnomAD exomes below 0.00001; gnomAD 0.00001.
gnomAD v4.1: 2 of 1,613,932 alleles (0.00012%); highest among the groups gnomAD compares: South Asian, 0.0011%; no homozygotes.

Submission:

Labcorp Genetics (formerly Invitae), Labcorp
Classification: Uncertain significance. Last evaluated: 2023-03-02. Review status: criteria provided, single submitter. Criteria: Invitae Variant Classification Sherloc (09022015). Collection method: clinical testing. Allele origin: germline.
Comment: In summary, the available evidence is currently insufficient to determine the role of this variant in disease. Therefore, it has been classified as a Variant of Uncertain Significance. Algorithms developed to predict the effect of sequence changes on RNA splicing suggest that this variant may create or strengthen a splice site. This variant has not been reported in the literature in individuals affected with INSR-related conditions. This variant is not present in population databases (gnomAD no frequency). This sequence change falls in intron 8 of the INSR gene. It does not directly change the encoded amino acid sequence of the INSR protein.

NM_000208.4(INSR):c.1861+8T>A

Gene: INSR (insulin receptor; minus strand). Cytogenetic location: 19p13.2.
Variant type: single nucleotide variant.
Coding change: c.1861+8T>A on transcript NM_000208.4 (MANE Select); 8 bases into the intron after coding-DNA position 1861, T replaced by A.
Molecular consequence: intron variant.
Genome position (GRCh38, 1-based): chr19:7,166,146, A>T on the plus strand (T>A on the coding strand, the complement: INSR is on the minus strand). VCF-style: chr19-7166146-A-T. GRCh37 (hg19) VCF-style: chr19-7166157-A-T.
Other names: c.1861+8T>A (NM_001079817.3).
Identifiers: ClinVar variation 2963327 (VCV002963327.3), dbSNP rs1973884034, ClinGen allele CA993112004.